The following is an entry in ClinVar:

NM_001042492.3(NF1):c.3901dup (p.Leu1301fs)

Gene: NF1 (neurofibromin 1; plus strand). Cytogenetic location: 17q11.2.
Variant type: Duplication.
Coding change: c.3901dup on transcript NM_001042492.3 (MANE Select); coding-DNA position 3901, one base duplicated (C; older notation c.3901dupC).
Protein change: p.Leu1301fs; shifts the reading frame from leucine 1301.
Molecular consequence: frameshift variant.
Genome position (GRCh38, 1-based): chr17:31,235,948, C duplicated; the last of 2 consecutive C bases (chr17:31,235,947-31,235,948); duplicating either gives the same sequence. VCF-style (leftmost placement, unchanged base first): chr17-31235946-T-TC. GRCh37 (hg19) VCF-style: chr17-29562964-T-TC.
Other names: c.3901dup, p.Leu1301fs (NM_000267.4); short protein forms L1301fs.
Identifiers: ClinVar variation 4729707 (VCV004729707.1).

ClinVar aggregate classification (germline): Pathogenic (1 of 4 stars; one submission).

Conditions:
Neurofibromatosis, type 1 (NF1). Also called: VON RECKLINGHAUSEN DISEASE; Peripheral type neurofibromatosis; NEUROFIBROMATOSIS, TYPE I, SOMATIC; Neurofibromatosis, type I. Identifiers: Orphanet 636, MedGen C0027831, MONDO:0018975, OMIM 162200. Disease mechanism: loss of function.

Submission:

Labcorp Genetics (formerly Invitae), Labcorp
Classification: Pathogenic for Neurofibromatosis, type 1. Last evaluated: 2025-10-23. Review status: criteria provided, single submitter. Criteria: Invitae Variant Classification Sherloc (09022015). Collection method: clinical testing. Allele origin: germline.
Comment: This sequence change creates a premature translational stop signal (p.Leu1301Profs*13) in the NF1 gene. It is expected to result in an absent or disrupted protein product. Loss-of-function variants in NF1 are known to be pathogenic (PMID: 10712197, 23913538). This variant is not present in population databases (gnomAD no frequency). This variant has not been reported in the literature in individuals affected with NF1-related conditions. For these reasons, this variant has been classified as Pathogenic.

Literature cited by the submitters: PubMed 10712197; PubMed 23913538.